The following is an entry in ClinVar:

NM_024537.4(CARS2):c.575A>G (p.Asn192Ser)

Gene: CARS2 (cysteinyl-tRNA synthetase 2, mitochondrial; minus strand). Cytogenetic location: 13q34.
Variant type: single nucleotide variant.
Coding change: c.575A>G on transcript NM_024537.4 (MANE Select); coding-DNA position 575, A replaced by G.
Protein change: p.Asn192Ser; replaces asparagine 192 with serine.
Molecular consequence: missense variant. On other transcripts: 5 prime UTR variant (1), non-coding transcript variant (2).
Genome position (GRCh38, 1-based): chr13:110,683,131, T>C on the plus strand (A>G on the coding strand, the complement: CARS2 is on the minus strand). VCF-style: chr13-110683131-T-C. GRCh37 (hg19) VCF-style: chr13-111335478-T-C.
Other names: c.-212A>G (NM_001352252.2); c.575A>G, p.Asn192Ser (NM_001352253.3); short protein forms N192S.
Identifiers: ClinVar variation 1411324 (VCV001411324.6), dbSNP rs1270654557, ClinGen allele CA388737112.

ClinVar aggregate classification (germline): Uncertain significance (1 of 4 stars; one submission).

Conditions:
Combined oxidative phosphorylation defect type 27. Also called: Combined oxidative phosphorylation deficiency 27. Identifiers: Orphanet 477774, MedGen C5567608, MONDO:0014728, OMIM 616672.

Allele frequency attached by ClinVar (database versions not stated): gnomAD exomes below 0.00001.
gnomAD v4.1: 6 of 1,582,372 alleles (0.00038%); highest among the groups gnomAD compares: African/African-American, 0.0027%; no homozygotes.

Submission:

Labcorp Genetics (formerly Invitae), Labcorp
Classification: Uncertain significance for Combined oxidative phosphorylation defect type 27. Last evaluated: 2021-08-14. Review status: criteria provided, single submitter. Criteria: Invitae Variant Classification Sherloc (09022015). Collection method: clinical testing. Allele origin: germline.
Comment: In summary, the available evidence is currently insufficient to determine the role of this variant in disease. Therefore, it has been classified as a Variant of Uncertain Significance. Algorithms developed to predict the effect of missense changes on protein structure and function output the following: SIFT: "Tolerated"; PolyPhen-2: "Benign"; Align-GVGD: "Class C0". The serine amino acid residue is found in multiple mammalian species, which suggests that this missense change does not adversely affect protein function. This variant has not been reported in the literature in individuals affected with CARS2-related conditions. This variant is not present in population databases (ExAC no frequency). This sequence change replaces asparagine with serine at codon 192 of the CARS2 protein (p.Asn192Ser). The asparagine residue is moderately conserved and there is a small physicochemical difference between asparagine and serine.